The following is an entry in ClinVar:

NM_000944.5(PPP3CA):c.179T>C (p.Val60Ala)

Gene: PPP3CA (protein phosphatase 3 catalytic subunit alpha; minus strand). Cytogenetic location: 4q24.
Variant type: single nucleotide variant.
Coding change: c.179T>C on transcript NM_000944.5 (MANE Select); coding-DNA position 179, T replaced by C.
Protein change: p.Val60Ala; replaces valine 60 with alanine.
Molecular consequence: missense variant.
Genome position (GRCh38, 1-based): chr4:101,195,996, A>G on the plus strand (T>C on the coding strand, the complement: PPP3CA is on the minus strand). VCF-style: chr4-101195996-A-G. GRCh37 (hg19) VCF-style: chr4-102117153-A-G.
Other names: c.179T>C, p.Val60Ala (NM_001130691.2, NM_001130692.2); short protein forms V60A.
Identifiers: ClinVar variation 1369355 (VCV001369355.8), dbSNP rs2110190603, ClinGen allele CA357950882.

ClinVar aggregate classification (germline): Uncertain significance (1 of 4 stars; one submission).

Allele frequency attached by ClinVar (database versions not stated): gnomAD exomes below 0.00001.
gnomAD v4.1: 2 of 1,614,104 alleles (0.00012%); highest among the groups gnomAD compares: Non-Finnish European, 0.00017%; no homozygotes.

Submission:

Labcorp Genetics (formerly Invitae), Labcorp
Classification: Uncertain significance. Last evaluated: 2022-07-26. Review status: criteria provided, single submitter. Criteria: Invitae Variant Classification Sherloc (09022015). Collection method: clinical testing. Allele origin: germline.
Comment: Algorithms developed to predict the effect of missense changes on protein structure and function are either unavailable or do not agree on the potential impact of this missense change (SIFT: "Tolerated"; PolyPhen-2: "Possibly Damaging"; Align-GVGD: "Class C0"). In summary, the available evidence is currently insufficient to determine the role of this variant in disease. Therefore, it has been classified as a Variant of Uncertain Significance. ClinVar contains an entry for this variant (Variation ID: 1369355). This variant has not been reported in the literature in individuals affected with PPP3CA-related conditions. This variant is not present in population databases (gnomAD no frequency). This sequence change replaces valine, which is neutral and non-polar, with alanine, which is neutral and non-polar, at codon 60 of the PPP3CA protein (p.Val60Ala).